The following is an entry in ClinVar:

ClinVar aggregate classification (germline): Uncertain significance (1 of 4 stars; one submission).

Conditions:
Multiple congenital exostosis (EXT). Also called: MULTIPLE CARTILAGINOUS EXOSTOSES; Hereditary multiple osteochondromas; Hereditary multiple exostoses; Hereditary multiple exostosis; Multiple exostoses; Multiple osteochondromas. Identifiers: Orphanet 321, MedGen C0015306, MONDO:0005508, HP:0002762.

Submission:

Labcorp Genetics (formerly Invitae), Labcorp
Classification: Uncertain significance for Multiple congenital exostosis. Last evaluated: 2024-04-09. Review status: criteria provided, single submitter. Criteria: Invitae Variant Classification Sherloc (09022015). Collection method: clinical testing. Allele origin: germline.
Comment: This sequence change replaces lysine, which is basic and polar, with arginine, which is basic and polar, at codon 302 of the EXT1 protein (p.Lys302Arg). This variant is not present in population databases (gnomAD no frequency). This variant has not been reported in the literature in individuals affected with EXT1-related conditions. Advanced modeling of protein sequence and biophysical properties (such as structural, functional, and spatial information, amino acid conservation, physicochemical variation, residue mobility, and thermodynamic stability) has been performed at Invitae for this missense variant, however the output from this modeling did not meet the statistical confidence thresholds required to predict the impact of this variant on EXT1 protein function. In summary, the available evidence is currently insufficient to determine the role of this variant in disease. Therefore, it has been classified as a Variant of Uncertain Significance.

NM_000127.3(EXT1):c.905A>G (p.Lys302Arg)

Gene: EXT1 (exostosin glycosyltransferase 1; minus strand). Cytogenetic location: 8q24.11.
Variant type: single nucleotide variant.
Coding change: c.905A>G on transcript NM_000127.3 (MANE Select); coding-DNA position 905, A replaced by G.
Protein change: p.Lys302Arg; replaces lysine 302 with arginine.
Molecular consequence: missense variant.
Genome position (GRCh38, 1-based): chr8:118,110,142, T>C on the plus strand (A>G on the coding strand, the complement: EXT1 is on the minus strand). VCF-style: chr8-118110142-T-C. GRCh37 (hg19) VCF-style: chr8-119122381-T-C.
Other names: short protein forms K302R.
Identifiers: ClinVar variation 2836376 (VCV002836376.3), dbSNP rs2488050448, ClinGen allele CA371914795.